The following is an entry in ClinVar:

NM_007364.4(TMED3):c.*5G>A

Gene: TMED3 (transmembrane p24 trafficking protein 3; plus strand). Cytogenetic location: 15q25.1.
Variant type: single nucleotide variant.
Coding change: c.*5G>A on transcript NM_007364.4 (MANE Select); 5 bases downstream of the stop codon, G replaced by A.
Molecular consequence: 3 prime UTR variant. On other transcripts: non-coding transcript variant (1), intron variant (2).
Genome position (GRCh38, 1-based): chr15:79,322,219, G>A. VCF-style: chr15-79322219-G-A. GRCh37 (hg19) VCF-style: chr15-79614561-G-A.
Other names: c.417+8214G>A (NM_001330376.2, NM_001301203.3).
Identifiers: ClinVar variation 3054648 (VCV003054648.2), dbSNP rs115956541, ClinGen allele CA7689533.

ClinVar aggregate classification (germline): Likely benign (0 of 4 stars; one submission).

Conditions:
TMED3-related disorder. Also called: TMED3-related condition.

Allele frequency attached by ClinVar (database versions not stated): ExAC 0.00072; gnomAD 0.00166; TOPMed 0.00179; ESP Exome Variant Server 0.00208; 1000 Genomes Project 0.00240; 1000 Genomes Project 30x 0.00250.
gnomAD v4.1: 475 of 1,609,998 alleles (0.03%); highest among the groups gnomAD compares: African/African-American, 0.58%; 1 homozygote.

Submission:

PreventionGenetics, part of Exact Sciences
Classification: Likely benign for TMED3-related condition. Last evaluated: 2020-05-11. Review status: no assertion criteria provided. Collection method: clinical testing. Allele origin: germline.
Comment: This variant is classified as likely benign based on ACMG/AMP sequence variant interpretation guidelines (Richards et al. 2015 PMID: 25741868, with internal and published modifications).